The following is an entry in ClinVar:

NM_139321.3(ATRN):c.2214+8G>A

Gene: ATRN (attractin; plus strand). Cytogenetic location: 20p13.
Variant type: single nucleotide variant.
Coding change: c.2214+8G>A on transcript NM_139321.3 (MANE Select); 8 bases into the intron after coding-DNA position 2214, G replaced by A.
Molecular consequence: intron variant.
Genome position (GRCh38, 1-based): chr20:3,575,956, G>A. VCF-style: chr20-3575956-G-A. GRCh37 (hg19) VCF-style: chr20-3556603-G-A.
Other names: c.2214+8G>A (NM_001323332.2, NM_139322.4, NM_139321.2); c.1866+8G>A (NM_001207047.3).
Identifiers: ClinVar variation 1167766 (VCV001167766.11), dbSNP rs6115945, ClinGen allele CA9744244.
Genomic context (GRCh38, chr20:3,575,956, plus strand): 5'-ACTGGTGCAATGACCATTGTGTCCCCAGGAACCACAGCTGCTCAGAAGGCCAGGTCAGAG[G>A]CTGTTTCTTAAAGATTTCAGAAAAATCCCAATTTGTCATAGGTTTAGCTTTTATAGTGTA-3'

ClinVar aggregate classification (germline): Benign. Review status: criteria provided, multiple submitters, no conflicts (2 of 4 stars). 3 submissions from 3 submitters: Benign (2). 1 of the submissions does not count toward it. Last evaluated 2026-01-28.

Conditions:
ATRN-related disorder. Also called: ATRN-related condition.

Allele frequency attached by ClinVar (database versions not stated): ExAC 0.02084; TOPMed 0.05320; ESP Exome Variant Server 0.05374; 1000 Genomes Project 0.05791; gnomAD 0.05024 and 0.04794; gnomAD exomes 0.01739 and 0.00762; 1000 Genomes Project 30x 0.05981.
gnomAD v4.1: 18,767 of 1,611,956 alleles (1.2%); highest among the groups gnomAD compares: African/African-American, 16%; 1,100 homozygotes.

Submissions (3):

Labcorp Genetics (formerly Invitae), Labcorp
Classification: Benign. Last evaluated: 2026-01-28. Review status: criteria provided, single submitter. Criteria: Invitae Variant Classification Sherloc (09022015). Collection method: clinical testing. Allele origin: germline.

Breakthrough Genomics
Classification: Benign. Review status: criteria provided, single submitter. Criteria: ACMG Guidelines, 2015. Collection method: not provided. Allele origin: germline. Inheritance: Unknown mechanism. Affected: yes.

PreventionGenetics, part of Exact Sciences
Classification: Benign for ATRN-related condition. Last evaluated: 2024-07-30. Review status: no assertion criteria provided. Collection method: clinical testing. Allele origin: germline. Not counted in ClinVar's aggregate classification.
Comment: This variant is classified as benign based on ACMG/AMP sequence variant interpretation guidelines (Richards et al. 2015 PMID: 25741868, with internal and published modifications).